The following is an entry in ClinVar:

NM_005592.4(MUSK):c.1100G>A (p.Arg367Gln)

Gene: MUSK (muscle associated receptor tyrosine kinase; plus strand). Cytogenetic location: 9q31.3.
Variant type: single nucleotide variant.
Coding change: c.1100G>A on transcript NM_005592.4 (MANE Select); coding-DNA position 1100, G replaced by A.
Protein change: p.Arg367Gln; replaces arginine 367 with glutamine.
Molecular consequence: missense variant. On other transcripts: 5 prime UTR variant (1), intron variant (2).
Genome position (GRCh38, 1-based): chr9:110,767,999, G>A. VCF-style: chr9-110767999-G-A. GRCh37 (hg19) VCF-style: chr9-113530279-G-A.
Other names: c.1100G>A (NM_005592.3); c.-137G>A (NM_001369398.1); c.950+5791G>A (NM_001166280.2); c.920+5791G>A (NM_001166281.2); short protein forms R367Q.
Identifiers: ClinVar variation 1005961 (VCV001005961.7), dbSNP rs1038479586, ClinGen allele CA198350865.
Genomic context (GRCh38, chr9:110,767,999, plus strand): 5'-CCCAAGAGCTACTGGTCCACACGGCCTGGAATGAACTGAAAGTAGTGAGCCCAGTCTGCC[G>A]GCCAGCTGCTGAGGCTTTGTTGTGTAACCACATCTTCCAGGAGTGCAGTCCTGGAGTAGT-3'
Protein context (NP_005583.1, residues 357-377): NELKVVSPVC[Arg367Gln]PAAEALLCNH

ClinVar aggregate classification (germline): Uncertain significance. Review status: criteria provided, multiple submitters, no conflicts (2 of 4 stars). 2 submissions from 2 submitters: Uncertain significance (2). Last evaluated 2022-08-11.

Conditions:
Inborn genetic diseases. Identifiers: MedGen C0950123, MeSH D030342.
Congenital myasthenic syndrome 9. Also called: Myasthenic syndrome, congenital, 9, associated with acetylcholine receptor deficiency. Identifiers: Orphanet 590, MedGen C4225368, MONDO:0014587, OMIM 616325.
Fetal akinesia deformation sequence 1 (FADS1). Also called: Fetal akinesia sequence; Pena-Shokeir syndrome type I. Identifiers: Orphanet 994, MedGen C1276035, MONDO:0100101, OMIM 208150, HP:0001989.

Allele frequency attached by ClinVar (database versions not stated): gnomAD exomes 0.00001; TOPMed 0.00002; gnomAD 0.00004.
gnomAD v4.1: 101 of 1,613,796 alleles (0.0063%); highest among the groups gnomAD compares: Non-Finnish European, 0.0078%; 1 homozygote.

Submissions (2):

Ambry Genetics
Classification: Uncertain significance for Inborn genetic diseases. Last evaluated: 2022-08-11. Review status: criteria provided, single submitter. Criteria: Ambry Variant Classification Scheme 2023. Collection method: clinical testing. Allele origin: germline.

Labcorp Genetics (formerly Invitae), Labcorp
Classification: Uncertain significance for Congenital myasthenic syndrome 9; Fetal akinesia deformation sequence 1. Last evaluated: 2022-05-31. Review status: criteria provided, single submitter. Criteria: Invitae Variant Classification Sherloc (09022015). Collection method: clinical testing. Allele origin: germline.
Comment: This sequence change replaces arginine, which is basic and polar, with glutamine, which is neutral and polar, at codon 367 of the MUSK protein (p.Arg367Gln). This variant is present in population databases (no rsID available, gnomAD 0.003%). This variant has not been reported in the literature in individuals affected with MUSK-related conditions. ClinVar contains an entry for this variant (Variation ID: 1005961). Advanced modeling of protein sequence and biophysical properties (such as structural, functional, and spatial information, amino acid conservation, physicochemical variation, residue mobility, and thermodynamic stability) performed at Invitae indicates that this missense variant is not expected to disrupt MUSK protein function. In summary, the available evidence is currently insufficient to determine the role of this variant in disease. Therefore, it has been classified as a Variant of Uncertain Significance.